The following is an entry in ClinVar:

ClinVar aggregate classification (germline): Likely benign. Review status: criteria provided, single submitter (1 of 4 stars). 3 submissions from 2 submitters: Likely benign (1). 2 of the submissions do not count toward it. Last evaluated 2024-07-11.

Conditions:
CDKL5 disorder. Identifiers: MedGen CN296942, MONDO:0100039.

Allele frequency attached by ClinVar (database versions not stated): gnomAD exomes 0.00005; gnomAD 0.00006 and 0.00005; ExAC 0.00001; TOPMed 0.00005.
gnomAD v4.1: 56 of 1,202,397 alleles (0.0047%); highest among the groups gnomAD compares: Non-Finnish European, 0.0062%; no homozygotes.

Submissions (3):

Centre for Population Genomics, CPG
Classification: Likely benign for CDKL5 disorder. Last evaluated: 2024-07-11. Review status: criteria provided, single submitter. Criteria: McKnight et al. (Hum Mutat. 2022). Collection method: curation. Allele origin: germline. Inheritance: X-linked inheritance.
Comment: This variant has been collected from RettBASE and curated to current modified ACMG/AMP criteria. Based on the classification scheme defined by the ClinGen Rett/Angelman-like Expert Panel for Rett/AS-like Disorders Specifications to the ACMG/AMP Variant Interpretation Guidelines VCEP 3.0, this variant is classified as likely benign. At least the following criteria are met: The allele frequency of this variant in at least one population in gnomAD v3 is between 0.008% and 0.03% (BS1). Synonymous or intronic variant outside donor and acceptor splice regions where splicing prediction algorithms do not support significant splicing alteration (spliceAI score <=0.1) (BP4, BP7).

RettBASE
Classification: Likely benign. Last evaluated: 2014-03-13. Review status: no assertion criteria provided. Collection method: curation. Allele origin: unknown. Observed: 1 variant allele. Not counted in ClinVar's aggregate classification.
Comment: Unlikely to be pathogenic, not predicted to change splicing; however, there is no empirical evidence for this

RettBASE
No classification provided. Review status: flagged submission. Collection method: not provided. Allele origin: not provided. Not counted in ClinVar's aggregate classification.
ClinVar note: Reason: This record appears to be redundant with a more recent record from the same submitter.
ClinVar note: Notes: SCV000189202 appears to be redundant with SCV000222279.

Literature cited by the submitters: PubMed 16015284 (cited by RettBASE).

NM_001323289.2(CDKL5):c.2152+48C>T

Gene: CDKL5 (cyclin dependent kinase like 5; plus strand). Cytogenetic location: Xp22.13.
Variant type: single nucleotide variant.
Coding change: c.2152+48C>T on transcript NM_001323289.2 (MANE Select); 48 bases into the intron after coding-DNA position 2152, C replaced by T.
Molecular consequence: intron variant.
Genome position (GRCh38, 1-based): chrX:18,609,618, C>T. VCF-style: chrX-18609618-C-T. GRCh37 (hg19) VCF-style: chrX-18627738-C-T.
Other names: c.2152+48C>T (NM_003159.3, NM_001037343.2).
Identifiers: ClinVar variation 156078 (VCV000156078.4), dbSNP rs267608652, ClinGen allele CA199359.